The following is an entry in ClinVar:

ClinVar aggregate classification (germline): Pathogenic (1 of 4 stars; one submission).

Submission:

Labcorp Genetics (formerly Invitae), Labcorp
Classification: Pathogenic. Last evaluated: 2023-08-02. Review status: criteria provided, single submitter. Criteria: Invitae Variant Classification Sherloc (09022015). Collection method: clinical testing. Allele origin: unknown.
Comment: For these reasons, this variant has been classified as Pathogenic. This variant has not been reported in the literature in individuals affected with EYS-related conditions. This variant is a gross deletion of the genomic region encompassing exon(s) 6-10 of the EYS gene. This deletion is out-of-frame, and is expected to create a premature termination codon and result in an absent or disrupted protein product. Loss-of-function variants in EYS are known to be pathogenic (PMID: 18836446, 20333770).

Literature cited by the submitters: PubMed 18836446; PubMed 20333770.

NC_000006.11:g.(?_66053911)_(66115280_?)del

Gene: EYS (eyes shut homolog; minus strand). Cytogenetic location: 6q12.
Variant type: Deletion.
Identifiers: ClinVar variation 3246126 (VCV003246126.1).